The following is an entry in ClinVar:

ClinVar aggregate classification (germline): Pathogenic (1 of 4 stars; one submission).

Conditions:
Familial cancer of breast. Also called: BREAST CANCER, FAMILIAL; Hereditary breast cancer; hereditary breast carcinoma. Identifiers: Orphanet 227535, MedGen C0346153, MONDO:0016419, OMIM 114480. Disease mechanism: loss of function.

Submission:

Labcorp Genetics (formerly Invitae), Labcorp
Classification: Pathogenic for Hereditary Breast Carcinoma. Last evaluated: 2019-02-24. Review status: criteria provided, single submitter. Criteria: Invitae Variant Classification Sherloc (09022015). Collection method: clinical testing. Allele origin: germline.
Comment: This variant is an out-of-frame deletion of the genomic region encompassing exons 8-11 of the CHEK2 gene. This is expected to create a premature translational stop signal and result in an absent or disrupted protein product. This variant has not been reported in the literature in individuals with CHEK2-related conditions. Loss-of-function variants in CHEK2 are known to be pathogenic (PMID: 21876083, 24713400). For these reasons, this variant has been classified as Pathogenic.

NC_000022.11:g.(?_28695700)_(28703576_?)del

Gene: CHEK2 (checkpoint kinase 2; minus strand). Cytogenetic location: 22q12.1.
Variant type: Deletion.
Identifiers: ClinVar variation 831867 (VCV000831867.2).